The following is an entry in ClinVar:

ClinVar aggregate classification (germline): Uncertain significance. Review status: criteria provided, multiple submitters, no conflicts (2 of 4 stars). 2 submissions from 2 submitters: Uncertain significance (2). Last evaluated 2020-12-10.

Conditions:
Hereditary nonpolyposis colorectal neoplasms. Identifiers: MedGen C0009405, MeSH D003123.
Hereditary cancer-predisposing syndrome. Also called: Tumor predisposition; Hereditary neoplastic syndrome; Neoplastic Syndromes, Hereditary; Hereditary Cancer Syndrome. Identifiers: Orphanet 140162, MedGen C0027672, MeSH D009386, MONDO:0015356.

Submissions (2):

Labcorp Genetics (formerly Invitae), Labcorp
Classification: Uncertain significance for Hereditary nonpolyposis colorectal neoplasms. Last evaluated: 2020-12-10. Review status: criteria provided, single submitter. Criteria: Invitae Variant Classification Sherloc (09022015). Collection method: clinical testing. Allele origin: germline.
Comment: In summary, the available evidence is currently insufficient to determine the role of this variant in disease. Therefore, it has been classified as a Variant of Uncertain Significance. Advanced modeling of protein sequence and biophysical properties (such as structural, functional, and spatial information, amino acid conservation, physicochemical variation, residue mobility, and thermodynamic stability) performed at Invitae indicates that this missense variant is not expected to disrupt PMS2 protein function. This variant has not been reported in the literature in individuals with PMS2-related conditions. This variant is not present in population databases (ExAC no frequency). This sequence change replaces lysine with glutamine at codon 610 of the PMS2 protein (p.Lys610Gln). The lysine residue is weakly conserved and there is a small physicochemical difference between lysine and glutamine.

Ambry Genetics
Classification: Uncertain significance for Hereditary cancer-predisposing syndrome. Last evaluated: 2020-08-25. Review status: criteria provided, single submitter. Criteria: Ambry Variant Classification Scheme 2023. Collection method: clinical testing. Allele origin: germline.
Comment: The p.K610Q variant (also known as c.1828A>C), located in coding exon 11 of the PMS2 gene, results from an A to C substitution at nucleotide position 1828. The lysine at codon 610 is replaced by glutamine, an amino acid with similar properties. This amino acid position is not well conserved in available vertebrate species. In addition, this alteration is predicted to be tolerated by in silico analysis. Since supporting evidence is limited at this time, the clinical significance of this alteration remains unclear.

NM_000535.7(PMS2):c.1828A>C (p.Lys610Gln)

Gene: PMS2 (PMS1 homolog 2, mismatch repair system component; minus strand). Cytogenetic location: 7p22.1.
Variant type: single nucleotide variant.
Coding change: c.1828A>C on transcript NM_000535.7 (MANE Select); coding-DNA position 1828, A replaced by C.
Protein change: p.Lys610Gln; replaces lysine 610 with glutamine.
Molecular consequence: missense variant. On other transcripts: non-coding transcript variant (1).
Genome position (GRCh38, 1-based): chr7:5,986,937, T>G on the plus strand (A>C on the coding strand, the complement: PMS2 is on the minus strand). VCF-style: chr7-5986937-T-G. GRCh37 (hg19) VCF-style: chr7-6026568-T-G.
Other names: c.1519A>C, p.Lys507Gln (NM_001322015.2); c.1423A>C, p.Lys475Gln (NM_001322003.2, NM_001322004.2, NM_001322005.2 and 1 more transcripts); c.1672A>C, p.Lys558Gln (NM_001322006.2); c.1510A>C, p.Lys504Gln (NM_001322007.2, NM_001322008.2); c.1267A>C, p.Lys423Gln (NM_001322010.2); c.895A>C, p.Lys299Gln (NM_001322011.2, NM_001322012.2); c.1255A>C, p.Lys419Gln (NM_001322013.2); c.1828A>C, p.Lys610Gln (NM_001322014.2); short protein forms K507Q, K423Q, K475Q, K299Q, K419Q, K558Q, K610Q, K504Q.
Identifiers: ClinVar variation 1492854 (VCV001492854.10), dbSNP rs199700509, ClinGen allele CA366739697.